The following is an entry in ClinVar:

ClinVar aggregate classification (germline): Likely benign (0 of 4 stars; one submission).

Conditions:
MDN1-related disorder. Also called: MDN1-related condition.

Allele frequency attached by ClinVar (database versions not stated): gnomAD exomes 0.00004; 1000 Genomes Project 30x 0.00016; ExAC 0.00016; 1000 Genomes Project 0.00020; gnomAD 0.00052; TOPMed 0.00056; ESP Exome Variant Server 0.00108.
gnomAD v4.1: 144 of 1,614,170 alleles (0.0089%); highest among the groups gnomAD compares: African/African-American, 0.17%; 1 homozygote.

Submission:

PreventionGenetics, part of Exact Sciences
Classification: Likely benign for MDN1-related condition. Last evaluated: 2019-07-12. Review status: no assertion criteria provided. Collection method: clinical testing. Allele origin: germline.
Comment: This variant is classified as likely benign based on ACMG/AMP sequence variant interpretation guidelines (Richards et al. 2015 PMID: 25741868, with internal and published modifications).

NM_014611.3(MDN1):c.8382T>C (p.Gly2794=)

Gene: MDN1 (midasin AAA ATPase 1; minus strand). Cytogenetic location: 6q15.
Variant type: single nucleotide variant.
Coding change: c.8382T>C on transcript NM_014611.3 (MANE Select); coding-DNA position 8382, T replaced by C.
Protein change: p.Gly2794=; no amino-acid change (glycine 2794 retained).
Molecular consequence: synonymous variant.
Genome position (GRCh38, 1-based): chr6:89,701,603, A>G on the plus strand (T>C on the coding strand, the complement: MDN1 is on the minus strand). VCF-style: chr6-89701603-A-G. GRCh37 (hg19) VCF-style: chr6-90411322-A-G.
Identifiers: ClinVar variation 3033634 (VCV003033634.2), dbSNP rs146322667, ClinGen allele CA3924031.
Genomic context (GRCh38, chr6:89,701,603, plus strand): 5'-TGCTTCCAGGTGTACCTTAAAAGGAAACGGTCGTCCCAGGAACTTCTGCAACTTCTTTAT[A>G]CCAGCGAAGCCACCAGTCTGGCTCCCCAGACAATTCTGAATATGTTCTGAGACAGTCTGA-3'
Protein context (NP_055426.1, residues 2784-2804): CLGSQTGGFA[Gly2794=]IKKLQKFLGR